The following is an entry in ClinVar:

NM_022765.4(MICAL1):c.2458A>G (p.Asn820Asp)

Gene: MICAL1 (microtubule associated monooxygenase, calponin and LIM domain containing 1; minus strand). Cytogenetic location: 6q21.
Variant type: single nucleotide variant.
Coding change: c.2458A>G on transcript NM_022765.4 (MANE Select); coding-DNA position 2458, A replaced by G.
Protein change: p.Asn820Asp; replaces asparagine 820 with aspartic acid.
Molecular consequence: missense variant.
Genome position (GRCh38, 1-based): chr6:109,446,259, T>C on the plus strand (A>G on the coding strand, the complement: MICAL1 is on the minus strand). VCF-style: chr6-109446259-T-C. GRCh37 (hg19) VCF-style: chr6-109767462-T-C.
Other names: c.2200A>G, p.Asn734Asp (NM_001159291.2); c.2515A>G, p.Asn839Asp (NM_001286613.2); c.2458A>G (NM_022765.3); short protein forms N839D, N734D, N820D.
Identifiers: ClinVar variation 1446885 (VCV001446885.8), dbSNP rs770168463, ClinGen allele CA3952889.

ClinVar aggregate classification (germline): Uncertain significance. Review status: criteria provided, multiple submitters, no conflicts (2 of 4 stars). 2 submissions from 2 submitters: Uncertain significance (2). Last evaluated 2025-12-11.

Allele frequency attached by ClinVar (database versions not stated): gnomAD 0.00003 and 0.00005; gnomAD exomes 0.00006 and 0.00008; TOPMed 0.00006; ExAC 0.00007.
gnomAD v4.1: 41 of 1,613,388 alleles (0.0025%); highest among the groups gnomAD compares: Admixed American, 0.067%; no homozygotes.

Submissions (2):

Ambry Genetics
Classification: Uncertain significance. Last evaluated: 2025-12-11. Review status: criteria provided, single submitter. Criteria: Ambry Variant Classification Scheme 2023. Collection method: clinical testing. Allele origin: germline.

Labcorp Genetics (formerly Invitae), Labcorp
Classification: Uncertain significance. Last evaluated: 2025-09-23. Review status: criteria provided, single submitter. Criteria: Invitae Variant Classification Sherloc (09022015). Collection method: clinical testing. Allele origin: germline.
Comment: This sequence change replaces asparagine, which is neutral and polar, with aspartic acid, which is acidic and polar, at codon 839 of the MICAL1 protein (p.Asn839Asp). This variant is present in population databases (rs770168463, gnomAD 0.07%), and has an allele count higher than expected for a pathogenic variant. This variant has not been reported in the literature in individuals affected with MICAL1-related conditions. ClinVar contains an entry for this variant (Variation ID: 1446885). An algorithm developed to predict the effect of missense changes on protein structure and function (PolyPhen-2) suggests that this variant is likely to be tolerated. In summary, the available evidence is currently insufficient to determine the role of this variant in disease. Therefore, it has been classified as a Variant of Uncertain Significance.